The following is an entry in ClinVar:

NM_004380.3(CREBBP):c.6971A>C (p.Gln2324Pro)

Gene: CREBBP (CREB binding lysine acetyltransferase; minus strand). Cytogenetic location: 16p13.3.
Variant type: single nucleotide variant.
Coding change: c.6971A>C on transcript NM_004380.3 (MANE Select); coding-DNA position 6971, A replaced by C.
Protein change: p.Gln2324Pro; replaces glutamine 2324 with proline.
Molecular consequence: missense variant.
Genome position (GRCh38, 1-based): chr16:3,728,076, T>G on the plus strand (A>C on the coding strand, the complement: CREBBP is on the minus strand). VCF-style: chr16-3728076-T-G. GRCh37 (hg19) VCF-style: chr16-3778077-T-G.
Other names: c.6857A>C, p.Gln2286Pro (NM_001079846.1); short protein forms Q2324P, Q2286P.
Identifiers: ClinVar variation 4234030 (VCV004234030.2).
Genomic context (GRCh38, chr16:3,728,076, plus strand): 5'-CGCACCTGGTTACTAAGGGACGTGGCGATCTGCTGGCCAGGGAGATGCGAGGCCTGTGGC[T>G]GTCCTGAGAGCATGTGTTGCTGGGGGCTCATGGGGTTCGGCTGGCCTGGGGACCCAATCT-3'
Protein context (NP_004371.2, residues 2314-2334): MSPQQHMLSG[Gln2324Pro]PQASHLPGQQ

ClinVar aggregate classification (germline): Uncertain significance. Review status: criteria provided, multiple submitters, no conflicts (2 of 4 stars). 2 submissions from 2 submitters: Uncertain significance (2). Last evaluated 2026-03-05.

Conditions:
CREBBP-related disorder. Also called: CREBBP-related condition; CREBBP-related disorders.
Inborn genetic diseases. Identifiers: MedGen C0950123, MeSH D030342.

gnomAD v4.1: 20 of 1,614,100 alleles (0.0012%); highest among the groups gnomAD compares: Non-Finnish European, 0.0017%; no homozygotes.

Submissions (2):

PreventionGenetics, part of Exact Sciences
Classification: Uncertain significance for CREBBP-related condition. Last evaluated: 2026-03-05. Review status: criteria provided, single submitter. Criteria: ACMG Guidelines, 2015. Collection method: clinical testing. Allele origin: germline.
Comment: The CREBBP c.6971A>C variant is predicted to result in the amino acid substitution p.Gln2324Pro. To our knowledge, this variant has not been reported in the literature or in a large population database (gnomAD), indicating this variant is rare. At this time, the clinical significance of this variant is uncertain due to the absence of conclusive functional and genetic evidence.

Ambry Genetics
Classification: Uncertain significance for Inborn genetic diseases. Last evaluated: 2025-08-08. Review status: criteria provided, single submitter. Criteria: Ambry Variant Classification Scheme 2023. Collection method: clinical testing. Allele origin: germline.